The following is an entry in ClinVar:

NM_000038.6(APC):c.5996C>A (p.Pro1999Gln)

Gene: APC (APC regulator of Wnt signaling pathway; plus strand). Cytogenetic location: 5q22.2.
Variant type: single nucleotide variant.
Coding change: c.5996C>A on transcript NM_000038.6 (MANE Select); coding-DNA position 5996, C replaced by A.
Protein change: p.Pro1999Gln; replaces proline 1999 with glutamine.
Molecular consequence: missense variant.
Genome position (GRCh38, 1-based): chr5:112,841,590, C>A. VCF-style: chr5-112841590-C-A. GRCh37 (hg19) VCF-style: chr5-112177287-C-A.
Other names: c.5996C>A, p.Pro1999Gln (NM_001127510.3, NM_001354895.2); c.5942C>A, p.Pro1981Gln (NM_001127511.3); c.6050C>A, p.Pro2017Gln (NM_001354896.2); c.6026C>A, p.Pro2009Gln (NM_001354897.2); c.5921C>A, p.Pro1974Gln (NM_001354898.2); c.5912C>A, p.Pro1971Gln (NM_001354899.2); c.5873C>A, p.Pro1958Gln (NM_001354900.2); c.5819C>A, p.Pro1940Gln (NM_001354901.2); and 5 more; short protein forms P1873Q, P1839Q, P1898Q, P1958Q, P1974Q, P1981Q, P1908Q, P1999Q.
Identifiers: ClinVar variation 858704 (VCV000858704.13), dbSNP rs1554087137, ClinGen allele CA16034456.

ClinVar aggregate classification (germline): Uncertain significance. Review status: criteria provided, multiple submitters, no conflicts (2 of 4 stars). 3 submissions from 3 submitters: Uncertain significance (3). Last evaluated 2025-09-30.

Conditions:
Hereditary cancer-predisposing syndrome. Also called: Tumor predisposition; Hereditary neoplastic syndrome; Neoplastic Syndromes, Hereditary; Hereditary Cancer Syndrome. Identifiers: Orphanet 140162, MedGen C0027672, MeSH D009386, MONDO:0015356.
Familial adenomatous polyposis 1 (FAP1). Also called: FAMILIAL ADENOMATOUS POLYPOSIS 1, ATTENUATED; POLYPOSIS, ADENOMATOUS INTESTINAL. Identifiers: MedGen C2713442, MONDO:0021056, OMIM 175100. Disease mechanism: loss of function.

gnomAD v4.1: 2 of 1,613,622 alleles (0.00012%); highest among the groups gnomAD compares: Non-Finnish European, 0.00017%; no homozygotes.

Submissions (3):

Color Diagnostics, LLC DBA Color Health
Classification: Uncertain significance for Hereditary cancer-predisposing syndrome. Last evaluated: 2025-09-30. Review status: criteria provided, single submitter. Criteria: ACMG Guidelines, 2015. Collection method: clinical testing. Allele origin: germline.
Comment: This missense variant replaces proline with glutamine at codon 1999 of the APC protein. Computational prediction suggests that this variant may not impact protein structure and function. APC is defined as a gene for which primarily truncating variants are known to cause disease (ClinGen HCCP VCEP). To our knowledge, functional studies have not been reported for this variant. This variant has not been reported in individuals affected with APC-related disorders in the literature. This variant has been identified in 2/1461402 chromosomes in the general population by the Genome Aggregation Database (gnomAD). The available evidence is insufficient to determine the role of this variant in disease conclusively. Therefore, this variant is classified as a Variant of Uncertain Significance.

Ambry Genetics
Classification: Uncertain significance for Hereditary cancer-predisposing syndrome. Last evaluated: 2023-02-15. Review status: criteria provided, single submitter. Criteria: Ambry Variant Classification Scheme 2023. Collection method: clinical testing. Allele origin: germline.
Comment: The p.P1999Q variant (also known as c.5996C>A), located in coding exon 15 of the APC gene, results from a C to A substitution at nucleotide position 5996. The proline at codon 1999 is replaced by glutamine, an amino acid with similar properties. This amino acid position is conserved. In addition, in silico predictors for this gene do not accurately predict pathogenicity. Since supporting evidence is limited at this time, the clinical significance of this alteration remains unclear.

Labcorp Genetics (formerly Invitae), Labcorp
Classification: Uncertain significance for Familial adenomatous polyposis 1. Last evaluated: 2019-06-30. Review status: criteria provided, single submitter. Criteria: Invitae Variant Classification Sherloc (09022015). Collection method: clinical testing. Allele origin: germline.
Comment: This variant is not present in population databases (ExAC no frequency). In summary, the available evidence is currently insufficient to determine the role of this variant in disease. Therefore, it has been classified as a Variant of Uncertain Significance. Algorithms developed to predict the effect of missense changes on protein structure and function are either unavailable or do not agree on the potential impact of this missense change (SIFT: "Deleterious"; PolyPhen-2: "Benign"; Align-GVGD: "Class C0"). This variant has not been reported in the literature in individuals with APC-related conditions. This sequence change replaces proline with glutamine at codon 1999 of the APC protein (p.Pro1999Gln). The proline residue is moderately conserved and there is a moderate physicochemical difference between proline and glutamine.